The following is an entry in ClinVar:

NM_001943.5(DSG2):c.919C>G (p.Leu307Val)

Gene: DSG2 (desmoglein 2; plus strand). Cytogenetic location: 18q12.1.
Variant type: single nucleotide variant.
Coding change: c.919C>G on transcript NM_001943.5 (MANE Select); coding-DNA position 919, C replaced by G.
Protein change: p.Leu307Val; replaces leucine 307 with valine.
Molecular consequence: missense variant.
Genome position (GRCh38, 1-based): chr18:31,524,793, C>G. VCF-style: chr18-31524793-C-G. GRCh37 (hg19) VCF-style: chr18-29104756-C-G.
Other names: c.919C>G (LRG_397t1); short protein forms L307V.
Identifiers: ClinVar variation 518957 (VCV000518957.15), dbSNP rs1052070604, ClinGen allele CA297732287.

ClinVar aggregate classification (germline): Uncertain significance. Review status: criteria provided, multiple submitters, no conflicts (2 of 4 stars). 3 submissions from 3 submitters: Uncertain significance (3). Last evaluated 2025-04-27.

Conditions:
Arrhythmogenic right ventricular dysplasia 10. Also called: ARRHYTHMOGENIC RIGHT VENTRICULAR DYSPLASIA, FAMILIAL, 10; Arrhythmogenic Right Ventricular Dysplasia/Cardiomyopathy10; Arrhythmogenic right ventricular dysplasia/cardiomyopathy, type 10. Identifiers: MedGen C1857777, MONDO:0012434, OMIM 610193.
Dilated cardiomyopathy 1BB (CMD1BB). Also called: CARDIOMYOPATHY, DILATED, 1BB, SUSCEPTIBILITY TO. Identifiers: Orphanet 154, MedGen C2752072, MONDO:0013030, OMIM 612877.
Cardiovascular phenotype. Identifiers: MedGen CN230736.

Allele frequency attached by ClinVar (database versions not stated): gnomAD exomes below 0.00001; gnomAD 0.00002; TOPMed 0.00002.
gnomAD v4.1: 5 of 1,614,020 alleles (0.00031%); highest among the groups gnomAD compares: African/African-American, 0.0053%; no homozygotes.

Submissions (3):

Labcorp Genetics (formerly Invitae), Labcorp
Classification: Uncertain significance for Arrhythmogenic right ventricular dysplasia 10. Last evaluated: 2025-04-27. Review status: criteria provided, single submitter. Criteria: Invitae Variant Classification Sherloc (09022015). Collection method: clinical testing. Allele origin: germline.
Comment: This sequence change replaces leucine, which is neutral and non-polar, with valine, which is neutral and non-polar, at codon 307 of the DSG2 protein (p.Leu307Val). This variant is present in population databases (no rsID available, gnomAD 0.02%). This variant has not been reported in the literature in individuals affected with DSG2-related conditions. ClinVar contains an entry for this variant (Variation ID: 518957). Invitae Evidence Modeling of protein sequence and biophysical properties (such as structural, functional, and spatial information, amino acid conservation, physicochemical variation, residue mobility, and thermodynamic stability) has been performed for this missense variant. However, the output from this modeling did not meet the statistical confidence thresholds required to predict the impact of this variant on DSG2 protein function. In summary, the available evidence is currently insufficient to determine the role of this variant in disease. Therefore, it has been classified as a Variant of Uncertain Significance.

Ambry Genetics
Classification: Uncertain significance for Cardiovascular phenotype. Last evaluated: 2025-03-26. Review status: criteria provided, single submitter. Criteria: Ambry Variant Classification Scheme 2023. Collection method: clinical testing. Allele origin: germline.

Fulgent Genetics
Classification: Uncertain significance for Arrhythmogenic right ventricular dysplasia 10; Dilated cardiomyopathy 1BB. Last evaluated: 2021-08-19. Review status: criteria provided, single submitter. Criteria: ACMG Guidelines, 2015. Collection method: clinical testing. Allele origin: unknown.